The following is an entry in ClinVar:

ClinVar aggregate classification (germline): Uncertain significance (1 of 4 stars; one submission).

Conditions:
Hyperphosphatasia with impaired intellectual development syndrome 2. Also called: Hyperphosphatasia with intellectual disability syndrome 2; GLYCOSYLPHOSPHATIDYLINOSITOL BIOSYNTHESIS DEFECT 6. Identifiers: Orphanet 247262, MedGen C3553637, MONDO:0013882, OMIM 614749.

Submission:

Labcorp Genetics (formerly Invitae), Labcorp
Classification: Uncertain significance for Hyperphosphatasia with impaired intellectual development syndrome 2. Last evaluated: 2021-05-13. Review status: criteria provided, single submitter. Criteria: Invitae Variant Classification Sherloc (09022015). Collection method: clinical testing. Allele origin: germline.
Comment: In summary, the available evidence is currently insufficient to determine the role of this variant in disease. Therefore, it has been classified as a Variant of Uncertain Significance. Algorithms developed to predict the effect of missense changes on protein structure and function output the following: SIFT: "Tolerated"; PolyPhen-2: "Benign"; Align-GVGD: "Class C0". The phenylalanine amino acid residue is found in multiple mammalian species, suggesting that this missense change does not adversely affect protein function. These predictions have not been confirmed by published functional studies and their clinical significance is uncertain. This variant has not been reported in the literature in individuals with PIGO-related conditions. This variant is not present in population databases (ExAC no frequency). This sequence change replaces leucine with phenylalanine at codon 583 of the PIGO protein (p.Leu583Phe). The leucine residue is moderately conserved and there is a small physicochemical difference between leucine and phenylalanine.

NM_032634.4(PIGO):c.1747C>T (p.Leu583Phe)

Gene: PIGO (phosphatidylinositol glycan anchor biosynthesis class O; minus strand). Cytogenetic location: 9p13.3.
Variant type: single nucleotide variant.
Coding change: c.1747C>T on transcript NM_032634.4 (MANE Select); coding-DNA position 1747, C replaced by T.
Protein change: p.Leu583Phe; replaces leucine 583 with phenylalanine.
Molecular consequence: missense variant. On other transcripts: intron variant (2).
Genome position (GRCh38, 1-based): chr9:35,092,140, G>A on the plus strand (C>T on the coding strand, the complement: PIGO is on the minus strand). VCF-style: chr9-35092140-G-A. GRCh37 (hg19) VCF-style: chr9-35092137-G-A.
Other names: c.1344+403C>T (NM_152850.4, NM_001201484.2); short protein forms L583F.
Identifiers: ClinVar variation 1351425 (VCV001351425.6), dbSNP rs778946017, ClinGen allele CA373321498.
Genomic context (GRCh38, chr9:35,092,140, plus strand): 5'-GCATTGTGAGTAGCTTAGGTGGAAGCAGCTGGCCCTCCCAGTGAAGCTGGACAACCAGGA[G>A]CAGGATGAATGAGCCCAAAAGGAAGGGGGTGGCCCTGGCCTCAGCTACAACAAAACTATC-3'
Protein context (NP_116023.2, residues 573-593): TPFLLGSFIL[Leu583Phe]LVVQLHWEGQ